The following is an entry in ClinVar:

NM_004423.4(DVL3):c.2095C>A (p.Gln699Lys)

Gene: DVL3 (dishevelled segment polarity protein 3; plus strand). Cytogenetic location: 3q27.1.
Variant type: single nucleotide variant.
Coding change: c.2095C>A on transcript NM_004423.4 (MANE Select); coding-DNA position 2095, C replaced by A.
Protein change: p.Gln699Lys; replaces glutamine 699 with lysine.
Molecular consequence: missense variant.
Genome position (GRCh38, 1-based): chr3:184,170,699, C>A. VCF-style: chr3-184170699-C-A. GRCh37 (hg19) VCF-style: chr3-183888487-C-A.
Other names: short protein forms Q699K.
Identifiers: ClinVar variation 4707383 (VCV004707383.1).

ClinVar aggregate classification (germline): Uncertain significance (1 of 4 stars; one submission).

Submission:

Labcorp Genetics (formerly Invitae), Labcorp
Classification: Uncertain significance. Last evaluated: 2025-04-10. Review status: criteria provided, single submitter. Criteria: Invitae Variant Classification Sherloc (09022015). Collection method: clinical testing. Allele origin: germline.
Comment: This sequence change replaces glutamine, which is neutral and polar, with lysine, which is basic and polar, at codon 699 of the DVL3 protein (p.Gln699Lys). This variant is not present in population databases (gnomAD no frequency). This variant has not been reported in the literature in individuals affected with DVL3-related conditions. Invitae Evidence Modeling of protein sequence and biophysical properties (such as structural, functional, and spatial information, amino acid conservation, physicochemical variation, residue mobility, and thermodynamic stability) indicates that this missense variant is not expected to disrupt DVL3 protein function with a negative predictive value of 80%. In summary, the available evidence is currently insufficient to determine the role of this variant in disease. Therefore, it has been classified as a Variant of Uncertain Significance.